The following is an entry in ClinVar:

NM_007294.4(BRCA1):c.3026C>A (p.Ser1009Ter)

Gene: BRCA1 (BRCA1 DNA repair associated; minus strand). Cytogenetic location: 17q21.31.
Variant type: single nucleotide variant.
Coding change: c.3026C>A on transcript NM_007294.4 (MANE Select); coding-DNA position 3026, C replaced by A.
Protein change: p.Ser1009Ter; replaces serine 1009 with a stop codon.
Molecular consequence: nonsense. On other transcripts: intron variant (137).
Genome position (GRCh38, 1-based): chr17:43,092,505, G>T on the plus strand (C>A on the coding strand, the complement: BRCA1 is on the minus strand). VCF-style: chr17-43092505-G-T. GRCh37 (hg19) VCF-style: chr17-41244522-G-T.
Other names: c.524-1473C>A (NM_001408499.1, NM_001408498.1, NM_001408501.1 and 3 more transcripts); c.671-1473C>A (NM_001408422.1, NM_001408418.1, NM_001408423.1 and 2 more transcripts); c.707-1473C>A (NM_001408416.1, NM_001408413.1); c.578-1473C>A (NM_001408484.1, NM_001408478.1, NM_001408514.1 and 9 more transcripts); c.662-1473C>A (NM_001408450.1, NM_001408434.1, NM_001408447.1 and 6 more transcripts); c.785-1473C>A (NM_001408398.1, NM_001407992.1, NM_001408400.1 and 13 more transcripts); c.665-1473C>A (NM_001408440.1, NM_001408428.1, NM_001408441.1 and 12 more transcripts); c.788-1473C>A (NM_001407981.1, NM_007298.4, NM_001407978.1 and 17 more transcripts); and 41 more; short protein forms S1009*, S962*, S1006*, S713*, S897*, S942*, S961*, S1008*.
Identifiers: ClinVar variation 54756 (VCV000054756.11), dbSNP rs273899696, ClinGen allele CA001989.

ClinVar aggregate classification (germline): Pathogenic. Review status: reviewed by expert panel (3 of 4 stars). 5 submissions from 5 submitters: Pathogenic (1). 4 of the submissions do not count toward it. Last evaluated 2016-09-08.

Conditions:
Hereditary cancer-predisposing syndrome. Also called: Tumor predisposition; Neoplastic Syndromes, Hereditary; Hereditary Cancer Syndrome; Hereditary neoplastic syndrome. Identifiers: Orphanet 140162, MedGen C0027672, MeSH D009386, MONDO:0015356.
Hereditary breast ovarian cancer syndrome. Also called: Hereditary breast and ovarian cancer syndrome (HBOC); Hereditary breast and ovarian cancer syndrome; Hereditary breast and ovarian cancer; Hereditary breast and/or ovarian cancer syndrome; Breast and ovarian cancer; BRCA1- and BRCA2-Associated Hereditary Breast and Ovarian Cancer. Identifiers: Orphanet 145, MedGen C0677776, MeSH D061325, MONDO:0003582. Disease mechanism: loss of function.
Breast-ovarian cancer, familial, susceptibility to, 1 (BROVCA1). Also called: OVARIAN CANCER, SUSCEPTIBILITY TO; BRCA1 Hereditary Breast and Ovarian Cancer. Identifiers: Orphanet 145, MedGen C2676676, MONDO:0011450, OMIM 604370. Disease mechanism: loss of function.

Submissions (5):

Evidence-based Network for the Interpretation of Germline Mutant Alleles (ENIGMA)
Classification: Pathogenic for Breast-ovarian cancer, familial, susceptibility to, 1. Last evaluated: 2016-09-08. Review status: reviewed by expert panel. Criteria: ENIGMA BRCA1/2 Classification Criteria (2015). Collection method: curation. Allele origin: germline.
Comment: Variant allele predicted to encode a truncated non-functional protein.

Labcorp Genetics (formerly Invitae), Labcorp
Classification: Pathogenic for Hereditary breast ovarian cancer syndrome. Last evaluated: 2026-01-26. Review status: criteria provided, single submitter. Criteria: Invitae Variant Classification Sherloc (09022015). Collection method: clinical testing. Allele origin: germline. Not counted in ClinVar's aggregate classification.
Comment: This sequence change creates a premature translational stop signal (p.Ser1009*) in the BRCA1 gene. It is expected to result in an absent or disrupted protein product. Loss-of-function variants in BRCA1 are known to be pathogenic (PMID: 20104584). This variant is not present in population databases (gnomAD no frequency). This premature translational stop signal has been observed in individual(s) with BRCA1-related conditions (PMID: 30702160). ClinVar contains an entry for this variant (Variation ID: 54756). For these reasons, this variant has been classified as Pathogenic.

Ambry Genetics
Classification: Pathogenic for Hereditary cancer-predisposing syndrome. Last evaluated: 2025-03-28. Review status: criteria provided, single submitter. Criteria: Ambry Variant Classification Scheme 2023. Collection method: clinical testing. Allele origin: germline. Not counted in ClinVar's aggregate classification.
Comment: The p.S1009* pathogenic mutation (also known as c.3026C>A), located in coding exon 9 of the BRCA1 gene, results from a C to A substitution at nucleotide position 3026. This changes the amino acid from a serine to a stop codon within coding exon 9. This variant is considered to be rare based on population cohorts in the Genome Aggregation Database (gnomAD). This alteration is expected to result in loss of function by premature protein truncation or nonsense-mediated mRNA decay. As such, this alteration is interpreted as a disease-causing mutation.

Revvity Omics, Revvity
Classification: Likely pathogenic. Last evaluated: 2022-10-31. Review status: criteria provided, single submitter. Criteria: ACMG Guidelines, 2015. Collection method: clinical testing. Allele origin: germline. Not counted in ClinVar's aggregate classification.

Breast Cancer Information Core (BIC) (BRCA1)
Classification: Pathogenic for Breast-ovarian cancer, familial 1. Last evaluated: 2011-03-02. Review status: no assertion criteria provided. Collection method: clinical testing. Allele origin: somatic. Affected: yes. Observed: 1 variant allele. Not counted in ClinVar's aggregate classification.

Literature cited by the submitters: PubMed 20104584 (cited by Labcorp Genetics (formerly Invitae), Labcorp); PubMed 30702160 (cited by Labcorp Genetics (formerly Invitae), Labcorp); Khoo et al Oncogene 1999 (cited by Breast Cancer Information Core (BIC) (BRCA1)).